The following is an entry in ClinVar:

ClinVar aggregate classification (germline): Benign/Likely benign. Review status: criteria provided, multiple submitters, no conflicts (2 of 4 stars). 2 submissions from 2 submitters: Benign (1); Likely benign (1). Last evaluated 2024-08-22.

Conditions:
Occult macular dystrophy (OCMD). Also called: OCCULT MACULAR DYSTROPHY, SUSCEPTIBILITY TO; OMD. Identifiers: Orphanet 247834, MedGen C3150833, MONDO:0013316, OMIM 613587, HP:0030636.

Allele frequency attached by ClinVar (database versions not stated): gnomAD exomes 0.00020; ExAC 0.00032; gnomAD 0.00496 and 0.00533.
gnomAD v4.1: 211 of 934,004 alleles (0.023%); highest among the groups gnomAD compares: African/African-American, 0.53%; 3 homozygotes.

Submissions (2):

Blueprint Genetics
Classification: Likely benign. Last evaluated: 2024-08-22. Review status: criteria provided, single submitter. Criteria: ACMG Guidelines, 2015. Collection method: clinical testing. Allele origin: germline.

Illumina Laboratory Services, Illumina
Classification: Benign for Occult macular dystrophy. Last evaluated: 2018-01-13. Review status: criteria provided, single submitter. Criteria: ICSL Variant Classification Criteria 13 December 2019. Collection method: clinical testing. Allele origin: germline.
Comment: This variant was observed in the ICSL laboratory as part of a predisposition screen in an ostensibly healthy population. It had not been previously curated by ICSL or reported in the Human Gene Mutation Database (HGMD: prior to June 1st, 2018), and was therefore a candidate for classification through an automated scoring system. Utilizing variant allele frequency, disease prevalence and penetrance estimates, and inheritance mode, an automated score was calculated to assess if this variant is too frequent to cause the disease. Based on the score and internal cut-off values, a variant classified as benign is not then subjected to further curation. The score for this variant resulted in a classification of benign for this disease.

NM_178857.6(RP1L1):c.4031C>T (p.Thr1344Ile)

Gene: RP1L1 (RP1 like 1). Cytogenetic location: 8p23.1.
Variant type: single nucleotide variant.
Coding change: c.4031C>T on transcript NM_178857.6 (MANE Select); coding-DNA position 4031, C replaced by T.
Protein change: p.Thr1344Ile; replaces threonine 1344 with isoleucine.
Molecular consequence: missense variant.
Genome position (GRCh38, 1-based): chr8:10,610,067, G>A on the plus strand (C>T on the coding strand, the complement: RP1L1 is on the minus strand). VCF-style: chr8-10610067-G-A. GRCh37 (hg19) VCF-style: chr8-10467577-G-A.
Other names: short protein forms T1344I.
Identifiers: ClinVar variation 911194 (VCV000911194.5), dbSNP rs201309656, ClinGen allele CA4624191.